The following is an entry in ClinVar:

NM_004963.4(GUCY2C):c.2934G>C (p.Gln978His)

Genes: PLBD1-AS1 (PLBD1 antisense RNA 1; plus strand), GUCY2C (guanylate cyclase 2C; minus strand). Cytogenetic location: 12p12.3.
Variant type: single nucleotide variant.
Coding change: c.2934G>C on transcript NM_004963.4 (MANE Select); coding-DNA position 2934, G replaced by C.
Protein change: p.Gln978His; replaces glutamine 978 with histidine.
Molecular consequence: missense variant.
Genome position (GRCh38, 1-based): chr12:14,616,669, C>G on the plus strand (G>C on the coding strand, the complement: GUCY2C is on the minus strand). VCF-style: chr12-14616669-C-G. GRCh37 (hg19) VCF-style: chr12-14769603-C-G.
Other names: c.2934G>C (NM_004963.3); short protein forms Q978H.
Identifiers: ClinVar variation 2146889 (VCV002146889.5), dbSNP rs756805059, ClinGen allele CA6462935.

ClinVar aggregate classification (germline): Uncertain significance. Review status: criteria provided, multiple submitters, no conflicts (2 of 4 stars). 2 submissions from 2 submitters: Uncertain significance (2). Last evaluated 2026-01-28.

Conditions:
Inborn genetic diseases. Identifiers: MedGen C0950123, MeSH D030342.

Allele frequency attached by ClinVar (database versions not stated): gnomAD 0.00004; TOPMed 0.00005; ExAC 0.00008.
gnomAD v4.1: 77 of 1,605,546 alleles (0.0048%); highest among the groups gnomAD compares: Admixed American, 0.01%; no homozygotes.

Submissions (2):

Labcorp Genetics (formerly Invitae), Labcorp
Classification: Uncertain significance. Last evaluated: 2026-01-28. Review status: criteria provided, single submitter. Criteria: Invitae Variant Classification Sherloc (09022015). Collection method: clinical testing. Allele origin: germline.
Comment: This sequence change replaces glutamine, which is neutral and polar, with histidine, which is basic and polar, at codon 978 of the GUCY2C protein (p.Gln978His). This variant is present in population databases (rs756805059, gnomAD 0.02%). This variant has not been reported in the literature in individuals affected with GUCY2C-related conditions. ClinVar contains an entry for this variant (Variation ID: 2146889). Invitae Evidence Modeling of protein sequence and biophysical properties (such as structural, functional, and spatial information, amino acid conservation, physicochemical variation, residue mobility, and thermodynamic stability) indicates that this missense variant is not expected to disrupt GUCY2C protein function with a negative predictive value of 80%. In summary, the available evidence is currently insufficient to determine the role of this variant in disease. Therefore, it has been classified as a Variant of Uncertain Significance.

Ambry Genetics
Classification: Uncertain significance for Inborn genetic diseases. Last evaluated: 2025-08-11. Review status: criteria provided, single submitter. Criteria: Ambry Variant Classification Scheme 2023. Collection method: clinical testing. Allele origin: germline.